The following is an entry in ClinVar:

NM_007294.4(BRCA1):c.436T>C (p.Ser146Pro)

Gene: BRCA1 (BRCA1 DNA repair associated; minus strand). Cytogenetic location: 17q21.31.
Variant type: single nucleotide variant.
Coding change: c.436T>C on transcript NM_007294.4 (MANE Select); coding-DNA position 436, T replaced by C.
Protein change: p.Ser146Pro; replaces serine 146 with proline.
Molecular consequence: missense variant. On other transcripts: non-coding transcript variant (1).
Genome position (GRCh38, 1-based): chr17:43,104,127, A>G on the plus strand (T>C on the coding strand, the complement: BRCA1 is on the minus strand). VCF-style: chr17-43104127-A-G. GRCh37 (hg19) VCF-style: chr17-41256144-A-G.
Other names: c.226T>C, p.Ser76Pro (NM_001407571.1, NM_001407853.1, NM_001407879.1 and 58 more transcripts); c.436T>C, p.Ser146Pro (NM_001407581.1, NM_001407582.1, NM_001407583.1 and 165 more transcripts); c.427T>C, p.Ser143Pro (NM_001407646.1, NM_001407647.1, NM_001408408.1); c.358T>C, p.Ser120Pro (NM_001407653.1, NM_001407654.1, NM_001407655.1 and 21 more transcripts); c.295T>C, p.Ser99Pro (NM_001407692.1, NM_001407694.1, NM_001407695.1 and 99 more transcripts); c.55T>C, p.Ser19Pro (NM_001407959.1, NM_001407960.1, NM_001407962.1 and 4 more transcripts); c.304T>C, p.Ser102Pro (NM_001408451.1); short protein forms S146P, S99P, S102P, S143P, S19P, S120P, S76P.
Identifiers: ClinVar variation 433691 (VCV000433691.3), dbSNP rs1555596290, ClinGen allele CA10601275.

ClinVar aggregate classification (germline): Uncertain significance (0 of 4 stars; one submission).

Conditions:
Malignant tumor of breast. Also called: Malignant breast neoplasm; Cancer breast. Identifiers: MedGen C0006142, MONDO:0007254. Disease mechanism: loss of function.

Submission:

Department of Pathology and Laboratory Medicine, Sinai Health System
Classification: Uncertain significance for Malignant tumor of breast. Review status: no assertion criteria provided. Collection method: clinical testing. Allele origin: unknown. Affected: yes. Study: The Canadian Open Genetics Repository (COGR).
Comment: The p.Ser146Pro variant has not been previously reported in the literature or by our laboratory. The p.Ser146 This residue is not conserved in mammals and computational analyses (PolyPhen2, SIFT, AlignGVGD) provide inconsistent predictions regarding the impact to the protein and this information is not very predictive of pathogenicity. In summary, based on the current information presented above, this variant is classified as variant of unknown significance.